The following is an entry in ClinVar:

NM_005573.4(LMNB1):c.1114A>G (p.Met372Val)

Gene: LMNB1 (lamin B1; plus strand). Cytogenetic location: 5q23.2.
Variant type: single nucleotide variant.
Coding change: c.1114A>G on transcript NM_005573.4 (MANE Select); coding-DNA position 1114, A replaced by G.
Protein change: p.Met372Val; replaces methionine 372 with valine.
Molecular consequence: missense variant. On other transcripts: non-coding transcript variant (1).
Genome position (GRCh38, 1-based): chr5:126,819,096, A>G. VCF-style: chr5-126819096-A-G. GRCh37 (hg19) VCF-style: chr5-126154788-A-G.
Other names: c.484A>G, p.Met162Val (NM_001198557.2); short protein forms M162V, M372V.
Identifiers: ClinVar variation 2291599 (VCV002291599.7), dbSNP rs1751798372, ClinGen allele CA360726295.

ClinVar aggregate classification (germline): Uncertain significance. Review status: criteria provided, multiple submitters, no conflicts (2 of 4 stars). 3 submissions from 3 submitters: Uncertain significance (3). Last evaluated 2025-12-08.

Conditions:
Inborn genetic diseases. Identifiers: MedGen C0950123, MeSH D030342.

Allele frequency attached by ClinVar (database versions not stated): gnomAD exomes below 0.00001; TOPMed 0.00001.
gnomAD v4.1: 2 of 1,614,164 alleles (0.00012%); highest among the groups gnomAD compares: Non-Finnish European, 0.00017%; no homozygotes.

Submissions (3):

Ambry Genetics
Classification: Uncertain significance for Inborn genetic diseases. Last evaluated: 2025-12-08. Review status: criteria provided, single submitter. Criteria: Ambry Variant Classification Scheme 2023. Collection method: clinical testing. Allele origin: germline.

Revvity Omics, Revvity
Classification: Uncertain significance. Last evaluated: 2025-07-17. Review status: criteria provided, single submitter. Criteria: ACMG Guidelines, 2015. Collection method: clinical testing. Allele origin: germline.

Labcorp Genetics (formerly Invitae), Labcorp
Classification: Uncertain significance. Last evaluated: 2025-02-17. Review status: criteria provided, single submitter. Criteria: Invitae Variant Classification Sherloc (09022015). Collection method: clinical testing. Allele origin: germline.
Comment: This sequence change replaces methionine, which is neutral and non-polar, with valine, which is neutral and non-polar, at codon 372 of the LMNB1 protein (p.Met372Val). This variant is not present in population databases (gnomAD no frequency). This variant has not been reported in the literature in individuals affected with LMNB1-related conditions. ClinVar contains an entry for this variant (Variation ID: 2291599). Invitae Evidence Modeling of protein sequence and biophysical properties (such as structural, functional, and spatial information, amino acid conservation, physicochemical variation, residue mobility, and thermodynamic stability) indicates that this missense variant is expected to disrupt LMNB1 protein function with a positive predictive value of 80%. In summary, the available evidence is currently insufficient to determine the role of this variant in disease. Therefore, it has been classified as a Variant of Uncertain Significance.